The following is an entry in ClinVar:

ClinVar aggregate classification (germline): Uncertain significance (1 of 4 stars; one submission).

Submission:

Ambry Genetics
Classification: Uncertain significance. Last evaluated: 2026-09-12. Review status: criteria provided, single submitter. Criteria: Ambry Variant Classification Scheme 2023. Collection method: clinical testing. Allele origin: germline.
Comment: The p.H1717P variant (also known as c.5150A>C), located in coding exon 22 of the WNK2 gene, results from an A to C substitution at nucleotide position 5150. The histidine at codon 1717 is replaced by proline, an amino acid with similar properties. This amino acid position is conserved. In addition, this alteration is predicted to be tolerated by in silico analysis. Based on the available evidence, the clinical significance of this variant remains unclear.

NM_006648.4(WNK2):c.5150A>C (p.His1717Pro)

Gene: WNK2 (WNK lysine deficient protein kinase 2; plus strand). Cytogenetic location: 9q22.31.
Variant type: single nucleotide variant.
Coding change: c.5150A>C on transcript NM_006648.4 (MANE Select); coding-DNA position 5150, A replaced by C.
Protein change: p.His1717Pro; replaces histidine 1717 with proline.
Molecular consequence: missense variant.
Genome position (GRCh38, 1-based): chr9:93,292,615, A>C. VCF-style: chr9-93292615-A-C. GRCh37 (hg19) VCF-style: chr9-96054897-A-C.
Other names: c.5261A>C, p.His1754Pro (NM_001282394.3); short protein forms H1717P, H1754P.
Identifiers: ClinVar variation 5031992 (VCV005031992.1).